The following is an entry in ClinVar:

ClinVar aggregate classification (germline): Likely benign. Review status: criteria provided, multiple submitters, no conflicts (2 of 4 stars). 2 submissions from 2 submitters: Likely benign (2). Last evaluated 2026-04-23.

Conditions:
SACS-related disorder. Also called: SACS-related condition.
Spastic paraplegia. Identifiers: MedGen C0037772, HP:0001258.

Allele frequency attached by ClinVar (database versions not stated): ExAC 0.00002; gnomAD exomes 0.00002; gnomAD 0.00010 and 0.00011; TOPMed 0.00011.
gnomAD v4.1: 31 of 1,614,004 alleles (0.0019%); highest among the groups gnomAD compares: African/African-American, 0.035%; no homozygotes.

Submissions (2):

PreventionGenetics, part of Exact Sciences
Classification: Likely benign for SACS-related condition. Last evaluated: 2026-04-23. Review status: criteria provided, single submitter. Criteria: ACMG Guidelines, 2015. Collection method: clinical testing. Allele origin: germline.
Comment: This variant is classified as likely benign based on ACMG/AMP sequence variant interpretation guidelines (Richards et al. 2015 PMID: 25741868, with internal and published modifications).

Labcorp Genetics (formerly Invitae), Labcorp
Classification: Likely benign for Spastic paraplegia. Last evaluated: 2025-09-10. Review status: criteria provided, single submitter. Criteria: Invitae Variant Classification Sherloc (09022015). Collection method: clinical testing. Allele origin: germline.

NM_014363.6(SACS):c.12018G>A (p.Leu4006=)

Gene: SACS (sacsin molecular chaperone; minus strand). Cytogenetic location: 13q12.12.
Variant type: single nucleotide variant.
Coding change: c.12018G>A on transcript NM_014363.6 (MANE Select); coding-DNA position 12018, G replaced by A.
Protein change: p.Leu4006=; no amino-acid change (leucine 4006 retained).
Molecular consequence: synonymous variant.
Genome position (GRCh38, 1-based): chr13:23,331,858, C>T on the plus strand (G>A on the coding strand, the complement: SACS is on the minus strand). VCF-style: chr13-23331858-C-T. GRCh37 (hg19) VCF-style: chr13-23905997-C-T.
Other names: c.11577G>A, p.Leu3859= (NM_001278055.2).
Identifiers: ClinVar variation 701611 (VCV000701611.9), dbSNP rs774074913, ClinGen allele CA6910190.